The following is an entry in ClinVar:

ClinVar aggregate classification (germline): Uncertain significance. Review status: criteria provided, multiple submitters, no conflicts (2 of 4 stars). 2 submissions from 2 submitters: Uncertain significance (2). Last evaluated 2026-05-26.

Conditions:
Inborn genetic diseases. Identifiers: MedGen C0950123, MeSH D030342.
PCNT-related disorder. Also called: PCNT-related condition.

Allele frequency attached by ClinVar (database versions not stated): TOPMed below 0.00001; ExAC 0.00001; gnomAD 0.00001; gnomAD exomes 0.00001.
gnomAD v4.1: 22 of 1,614,110 alleles (0.0014%); highest among the groups gnomAD compares: Middle Eastern, 0.12%; no homozygotes.

Submissions (2):

PreventionGenetics, part of Exact Sciences
Classification: Uncertain significance for PCNT-related condition. Last evaluated: 2026-05-26. Review status: criteria provided, single submitter. Criteria: ACMG Guidelines, 2015. Collection method: clinical testing. Allele origin: germline.
Comment: The PCNT c.3008A>C variant is predicted to result in the amino acid substitution p.Lys1003Thr. To our knowledge, this variant has not been reported in the literature. This variant is reported in 0.0029% of alleles in individuals of Latino descent in gnomAD. At this time, the clinical significance of this variant is uncertain due to the absence of conclusive functional and genetic evidence.

Ambry Genetics
Classification: Uncertain significance for Inborn genetic diseases. Last evaluated: 2023-02-15. Review status: criteria provided, single submitter. Criteria: Ambry Variant Classification Scheme 2023. Collection method: clinical testing. Allele origin: germline.

NM_006031.6(PCNT):c.3008A>C (p.Lys1003Thr)

Gene: PCNT (pericentrin; plus strand). Cytogenetic location: 21q22.3.
Variant type: single nucleotide variant.
Coding change: c.3008A>C on transcript NM_006031.6 (MANE Select); coding-DNA position 3008, A replaced by C.
Protein change: p.Lys1003Thr; replaces lysine 1003 with threonine.
Molecular consequence: missense variant.
Genome position (GRCh38, 1-based): chr21:46,366,982, A>C. VCF-style: chr21-46366982-A-C. GRCh37 (hg19) VCF-style: chr21-47786897-A-C.
Other names: c.2654A>C, p.Lys885Thr (NM_001315529.2); short protein forms K885T, K1003T.
Identifiers: ClinVar variation 2457867 (VCV002457867.3), dbSNP rs766102490, ClinGen allele CA10079147.